The following is an entry in ClinVar:

ClinVar aggregate classification (germline): Conflicting classifications of pathogenicity. Review status: criteria provided, conflicting classifications (1 of 4 stars). 6 submissions from 6 submitters: Uncertain significance (5); Likely benign (1). Last evaluated 2026-05-26.

Conditions:
Ehlers-Danlos syndrome, classic type, 1 (EDSCL1). Also called: Ehlers-Danlos syndrome, type 1; Ehlers-Danlos Syndrome, Classic Type, COL5A1-Related; EHLERS-DANLOS SYNDROME, GRAVIS TYPE; EHLERS-DANLOS SYNDROME, SEVERE CLASSIC TYPE; EDS I. Identifiers: MedGen C0268335, MONDO:0019567, OMIM 130000.
Osteogenesis imperfecta type I (OI1). Also called: Lobstein's Disease; Lobstein disease; OI, TYPE I; OSTEOGENESIS IMPERFECTA TARDA; OSTEOGENESIS IMPERFECTA WITH BLUE SCLERAE; Osteogenesis imperfecta type 1. Identifiers: Orphanet 216796, Orphanet 666, MedGen C0023931, MONDO:0008146, OMIM 166200. Disease mechanism: loss of function.
COL1A2-related disorder. Also called: COL1A2-related condition; COL1A2-Related Disorders.
Cardiovascular phenotype. Identifiers: MedGen CN230736.

Allele frequency attached by ClinVar (database versions not stated): ExAC 0.00002; gnomAD exomes 0.00002; gnomAD 0.00003; TOPMed 0.00003.
gnomAD v4.1: 40 of 1,611,896 alleles (0.0025%); highest among the groups gnomAD compares: African/African-American, 0.004%; no homozygotes.

Submissions (6):

Ambry Genetics
Classification: Uncertain significance for Cardiovascular phenotype. Last evaluated: 2026-05-26. Review status: criteria provided, single submitter. Criteria: Ambry Variant Classification Scheme 2023. Collection method: clinical testing. Allele origin: germline.
Comment: The c.1402G>A (p.V468I) alteration is located in exon 24 (coding exon 24) of the COL1A2 gene. This alteration results from a G to A substitution at nucleotide position 1402, causing the valine (V) at amino acid position 468 to be replaced by an isoleucine (I). Based on data from gnomAD, the A allele has an overall frequency of 0.002% (5/248964) total alleles studied. The highest observed frequency was 0.006% (1/16058) of African alleles. Based on insufficient or conflicting evidence, the clinical significance of this alteration remains unclear.

Labcorp Genetics (formerly Invitae), Labcorp
Classification: Uncertain significance for Osteogenesis imperfecta type I; Ehlers-Danlos syndrome, classic type, 1. Last evaluated: 2026-01-26. Review status: criteria provided, single submitter. Criteria: Invitae Variant Classification Sherloc (09022015). Collection method: clinical testing. Allele origin: germline.
Comment: This sequence change replaces valine, which is neutral and non-polar, with isoleucine, which is neutral and non-polar, at codon 468 of the COL1A2 protein (p.Val468Ile). This variant is present in population databases (rs770497661, gnomAD 0.007%). This variant has not been reported in the literature in individuals affected with COL1A2-related conditions. ClinVar contains an entry for this variant (Variation ID: 951887). An algorithm developed to predict the effect of missense changes on protein structure and function (PolyPhen-2) suggests that this variant is likely to be disruptive. In summary, the available evidence is currently insufficient to determine the role of this variant in disease. Therefore, it has been classified as a Variant of Uncertain Significance.

PreventionGenetics, part of Exact Sciences
Classification: Uncertain significance for COL1A2-related condition. Last evaluated: 2025-07-29. Review status: criteria provided, single submitter. Criteria: ACMG Guidelines, 2015. Collection method: clinical testing. Allele origin: germline.
Comment: The COL1A2 c.1402G>A variant is predicted to result in the amino acid substitution p.Val468Ile. To our knowledge, this variant has not been reported in the literature. This variant is reported in 0.0062% of alleles in individuals of African descent in gnomAD. At this time, the clinical significance of this variant is uncertain due to the absence of conclusive functional and genetic evidence.

GeneDx
Classification: Uncertain significance. Last evaluated: 2024-04-10. Review status: criteria provided, single submitter. Criteria: GeneDx Variant Classification Process June 2021. Collection method: clinical testing. Allele origin: germline. Affected: yes.
Comment: Has not been previously published as pathogenic or benign to our knowledge; Not observed at significant frequency in large population cohorts (gnomAD); Occurs in the triple helical domain at the Y position in the canonical Gly-X-Y repeat; although this variant may have an effect on normal protein folding and function, missense substitution at the Y position is not a common mechanism of disease (HGMD); In silico analysis indicates that this missense variant does not alter protein structure/function

Mayo Clinic Laboratories, Mayo Clinic
Classification: Uncertain significance. Last evaluated: 2022-01-05. Review status: criteria provided, single submitter. Criteria: ACMG Guidelines, 2015. Collection method: clinical testing. Allele origin: germline.

Blueprint Genetics
Classification: Likely benign. Last evaluated: 2020-10-26. Review status: criteria provided, single submitter. Criteria: ACMG Guidelines, 2015. Collection method: clinical testing. Allele origin: germline.

NM_000089.4(COL1A2):c.1402G>A (p.Val468Ile)

Gene: COL1A2 (collagen type I alpha 2 chain; plus strand). Cytogenetic location: 7q21.3.
Variant type: single nucleotide variant.
Coding change: c.1402G>A on transcript NM_000089.4 (MANE Select); coding-DNA position 1402, G replaced by A.
Protein change: p.Val468Ile; replaces valine 468 with isoleucine.
Molecular consequence: missense variant.
Genome position (GRCh38, 1-based): chr7:94,412,119, G>A. VCF-style: chr7-94412119-G-A. GRCh37 (hg19) VCF-style: chr7-94041431-G-A.
Other names: p.Val468Ile; short protein forms V468I.
Identifiers: ClinVar variation 951887 (VCV000951887.20), dbSNP rs770497661, ClinGen allele CA4347028.